The following is an entry in ClinVar:

NM_001042492.3(NF1):c.4760T>C (p.Leu1587Ser)

Gene: NF1 (neurofibromin 1; plus strand). Cytogenetic location: 17q11.2.
Variant type: single nucleotide variant.
Coding change: c.4760T>C on transcript NM_001042492.3 (MANE Select); coding-DNA position 4760, T replaced by C.
Protein change: p.Leu1587Ser; replaces leucine 1587 with serine.
Molecular consequence: missense variant.
Genome position (GRCh38, 1-based): chr17:31,265,264, T>C. VCF-style: chr17-31265264-T-C. GRCh37 (hg19) VCF-style: chr17-29592282-T-C.
Other names: c.4697T>C, p.Leu1566Ser (NM_000267.4); short protein forms L1566S, L1587S.
Identifiers: ClinVar variation 2629694 (VCV002629694.1), dbSNP rs2508445083, ClinGen allele CA399001228.

ClinVar aggregate classification (germline): Uncertain significance (1 of 4 stars; one submission).

Conditions:
NF1-related disorder. Also called: NF1-related condition. Identifiers: MedGen CN379171.

Submission:

PreventionGenetics, part of Exact Sciences
Classification: Uncertain significance for NF1-related condition. Last evaluated: 2022-12-14. Review status: criteria provided, single submitter. Criteria: ACMG Guidelines, 2015. Collection method: clinical testing. Allele origin: germline.
Comment: The NF1 c.4760T>C variant is predicted to result in the amino acid substitution p.Leu1587Ser. To our knowledge, this variant has not been reported in the literature or in a large population database, indicating this variant is rare. At this time, the clinical significance of this variant is uncertain due to the absence of conclusive functional and genetic evidence.